The following is an entry in ClinVar:

NM_015474.4(SAMHD1):c.625+2T>C

Gene: SAMHD1 (SAM and HD domain containing deoxynucleoside triphosphate triphosphohydrolase 1; minus strand). Cytogenetic location: 20q11.23.
Variant type: single nucleotide variant.
Coding change: c.625+2T>C on transcript NM_015474.4 (MANE Select); the canonical splice donor site of the intron after coding-DNA position 625, T replaced by C.
Molecular consequence: splice donor variant.
Genome position (GRCh38, 1-based): chr20:36,930,758, A>G on the plus strand (T>C on the coding strand, the complement: SAMHD1 is on the minus strand). VCF-style: chr20-36930758-A-G. GRCh37 (hg19) VCF-style: chr20-35559161-A-G.
Other names: c.625+2T>C (NM_001363729.2, NM_001363733.2).
Identifiers: ClinVar variation 2584524 (VCV002584524.1), dbSNP rs2515258417, ClinGen allele CA408821944.

ClinVar aggregate classification (germline): Likely pathogenic (1 of 4 stars; one submission).

Conditions:
SAMHD1-related disorder. Also called: SAMHD1-related condition.

Allele frequency attached by ClinVar (database versions not stated): gnomAD exomes below 0.00001.
gnomAD v4.1: 1 of 1,595,812 alleles (0.000063%); highest among the groups gnomAD compares: Non-Finnish European, 0.000086%; no homozygotes.

Submission:

Rady Children's Institute for Genomic Medicine, Rady Children's Hospital San Diego
Classification: Likely pathogenic for SAMHD1-Related disorder. Review status: criteria provided, single submitter. Criteria: ACMG Guidelines, 2015. Collection method: clinical testing. Allele origin: germline. Affected: yes.
Comment: This variant affects the canonical splice donor site of intron 15 and is therefore predicted to interfere with splicing and result in loss of normal protein function through either protein truncation or nonsense-mediated mRNA decay (NMD). Splice site variation at c.625+1G>A and c.626-1G>C have been previously reported in individuals with Aicardi-Goutières syndrome (PMID: 24989684, 28454995, 29239743). Loss-of-function variation in SAMHD1 is an established mechanism of disease (PMID: 25604658, 25672750). The c.625+2T>C variant is absent from the gnomAD population database and thus is presumed to be rare. Based on the available evidence, the c.625+2T>C variant is classified as Likely Pathogenic.